The following is an entry in ClinVar:

NM_007215.4(POLG2):c.511C>A (p.Leu171Ile)

Genes: MILR1 (mast cell immunoglobulin like receptor 1; plus strand), POLG2 (DNA polymerase gamma 2, accessory subunit; minus strand). Cytogenetic location: 17q23.3.
Variant type: single nucleotide variant.
Coding change: c.511C>A on transcript NM_007215.4 (MANE Select); coding-DNA position 511, C replaced by A.
Protein change: p.Leu171Ile; replaces leucine 171 with isoleucine.
Molecular consequence: missense variant.
Genome position (GRCh38, 1-based): chr17:64,496,458, G>T on the plus strand (C>A on the coding strand, the complement: POLG2 is on the minus strand). VCF-style: chr17-64496458-G-T. GRCh37 (hg19) VCF-style: chr17-62492576-G-T.
Other names: short protein forms L171I.
Identifiers: ClinVar variation 3616426 (VCV003616426.2).
Genomic context (GRCh38, chr17:64,496,458, plus strand): 5'-GAAGCATACCGTGAAGAAGGTTCTCCCGTAGTTTCCCAGAAGTTTTTAATACGTTCTCAA[G>T]AAATGCTACTAGCTGTTCCTTACTCAGCTCTTTGTCTTGCAAGATTTCGCGTAGAGTTTC-3'
Protein context (NP_009146.2, residues 161-181): ELSKEQLVAF[Leu171Ile]ENVLKTSGKL

ClinVar aggregate classification (germline): Uncertain significance (1 of 4 stars; one submission).

Submission:

Labcorp Genetics (formerly Invitae), Labcorp
Classification: Uncertain significance. Last evaluated: 2025-07-23. Review status: criteria provided, single submitter. Criteria: Invitae Variant Classification Sherloc (09022015). Collection method: clinical testing. Allele origin: germline.
Comment: This sequence change replaces leucine, which is neutral and non-polar, with isoleucine, which is neutral and non-polar, at codon 171 of the POLG2 protein (p.Leu171Ile). This variant is not present in population databases (gnomAD no frequency). This variant has not been reported in the literature in individuals affected with POLG2-related conditions. ClinVar contains an entry for this variant (Variation ID: 3616426). An algorithm developed to predict the effect of missense changes on protein structure and function (PolyPhen-2) suggests that this variant is likely to be tolerated. In summary, the available evidence is currently insufficient to determine the role of this variant in disease. Therefore, it has been classified as a Variant of Uncertain Significance.